The following is an entry in ClinVar:

ClinVar aggregate classification (germline): Uncertain significance (1 of 4 stars; one submission).

Allele frequency attached by ClinVar (database versions not stated): gnomAD exomes below 0.00001; TOPMed below 0.00001.
gnomAD v4.1: 1 of 398,366 alleles (0.00025%); highest among the groups gnomAD compares: Non-Finnish European, 0.00044%; no homozygotes.

Submission:

CeGaT Center for Human Genetics Tuebingen
Classification: Uncertain significance. Last evaluated: 2024-03-01. Review status: criteria provided, single submitter. Criteria: CeGaT Center For Human Genetics Tuebingen Variant Classification Criteria Version 2. Collection method: clinical testing. Allele origin: germline. Affected: yes. Observed: 1 variant allele.
Comment: KCNQ1OT1: PM2

NM_000218.3(KCNQ1):c.1394-29213G>A

Genes: KCNQ1 (potassium voltage-gated channel subfamily Q member 1; plus strand), KCNQ1OT1 (KCNQ1 opposite strand/antisense transcript 1; minus strand). Cytogenetic location: 11p15.5.
Variant type: single nucleotide variant.
Coding change: c.1394-29213G>A on transcript NM_000218.3 (MANE Select); 29213 bases into the intron before coding-DNA position 1394, G replaced by A.
Molecular consequence: intron variant. On other transcripts: non-coding transcript variant (1).
Genome position (GRCh38, 1-based): chr11:2,632,748, G>A. VCF-style: chr11-2632748-G-A. GRCh37 (hg19) VCF-style: chr11-2653978-G-A.
Other names: c.1124-29213G>A (NM_001406837.1); c.1298-29213G>A (NM_001406836.1); c.854-29213G>A (NM_001406838.1); c.1013-29213G>A (NM_181798.2).
Identifiers: ClinVar variation 3067767 (VCV003067767.21), dbSNP rs1849381549, ClinGen allele CA472065788.